The following is an entry in ClinVar:

ClinVar aggregate classification (germline): Uncertain significance (1 of 4 stars; one submission).

gnomAD v4.1: 2 of 1,610,904 alleles (0.00012%); highest among the groups gnomAD compares: South Asian, 0.0022%; no homozygotes.

Submission:

Labcorp Genetics (formerly Invitae), Labcorp
Classification: Uncertain significance. Last evaluated: 2024-02-12. Review status: criteria provided, single submitter. Criteria: Invitae Variant Classification Sherloc (09022015). Collection method: clinical testing. Allele origin: germline.
Comment: This sequence change affects codon 1573 of the LTBP2 mRNA. It is a 'silent' change, meaning that it does not change the encoded amino acid sequence of the LTBP2 protein. It affects a nucleotide within the consensus splice site. The frequency data for this variant in the population databases is considered unreliable, as metrics indicate poor data quality at this position in the gnomAD database. This variant has not been reported in the literature in individuals affected with LTBP2-related conditions. ClinVar contains an entry for this variant (Variation ID: 1499987). Algorithms developed to predict the effect of sequence changes on RNA splicing suggest that this variant is not likely to affect RNA splicing. In summary, the available evidence is currently insufficient to determine the role of this variant in disease. Therefore, it has been classified as a Variant of Uncertain Significance.

NM_000428.3(LTBP2):c.4719G>T (p.Thr1573=)

Gene: LTBP2 (latent transforming growth factor beta binding protein 2; minus strand). Cytogenetic location: 14q24.3.
Variant type: single nucleotide variant.
Coding change: c.4719G>T on transcript NM_000428.3 (MANE Select); coding-DNA position 4719, G replaced by T.
Protein change: p.Thr1573=; no amino-acid change (threonine 1573 retained).
Molecular consequence: synonymous variant.
Genome position (GRCh38, 1-based): chr14:74,503,470, C>A on the plus strand (G>T on the coding strand, the complement: LTBP2 is on the minus strand). VCF-style: chr14-74503470-C-A. GRCh37 (hg19) VCF-style: chr14-74970173-C-A.
Identifiers: ClinVar variation 1499987 (VCV001499987.6), dbSNP rs763812721, ClinGen allele CA487267177.
Genomic context (GRCh38, chr14:74,503,470, plus strand): 5'-ACATGAGCCCCCCAGCCCAGGTACCCTTCTCCTGCTCCCCCACGCTCAGGCCCACTCACC[C>A]GTGCTGCTGGTGCTGTTCATGCAGCGCTGCTGGCTGAGGTCCAGGGTGAGCGGGGGGCTG-3'
Protein context (NP_000419.1, residues 1563-1583): QQRCMNSTSS[Thr1573=]EDLPDHDIHM